The following is an entry in ClinVar:

ClinVar aggregate classification (germline): Uncertain significance (1 of 4 stars; one submission).

Conditions:
Immunodeficiency 39 (IMD39). Identifiers: Orphanet 574918, MedGen C4225358, MONDO:0014597, OMIM 616345.

Submission:

Labcorp Genetics (formerly Invitae), Labcorp
Classification: Uncertain significance for Immunodeficiency 39. Last evaluated: 2019-10-15. Review status: criteria provided, single submitter. Criteria: Invitae Variant Classification Sherloc (09022015). Collection method: clinical testing. Allele origin: germline.
Comment: This sequence change replaces proline with threonine at codon 241 of the IRF7 protein (p.Pro241Thr). The proline residue is weakly conserved and there is a small physicochemical difference between proline and threonine. This variant is not present in population databases (ExAC no frequency). This variant has not been reported in the literature in individuals with IRF7-related conditions. Algorithms developed to predict the effect of missense changes on protein structure and function (SIFT, PolyPhen-2, Align-GVGD) all suggest that this variant is likely to be tolerated, but these predictions have not been confirmed by published functional studies and their clinical significance is uncertain. In summary, the available evidence is currently insufficient to determine the role of this variant in disease. Therefore, it has been classified as a Variant of Uncertain Significance.

NM_001572.5(IRF7):c.682C>A (p.Pro228Thr)

Gene: IRF7 (interferon regulatory factor 7; minus strand). Cytogenetic location: 11p15.5.
Variant type: single nucleotide variant.
Coding change: c.682C>A on transcript NM_001572.5 (MANE Select); coding-DNA position 682, C replaced by A.
Protein change: p.Pro228Thr; replaces proline 228 with threonine.
Molecular consequence: missense variant. On other transcripts: intron variant (1).
Genome position (GRCh38, 1-based): chr11:614,035, G>T on the plus strand (C>A on the coding strand, the complement: IRF7 is on the minus strand). VCF-style: chr11-614035-G-T. GRCh37 (hg19) VCF-style: chr11-614035-G-T.
Other names: c.721C>A, p.Pro241Thr (NM_004031.4); c.679+139C>A (NM_004029.4); short protein forms P228T, P241T.
Identifiers: ClinVar variation 960490 (VCV000960490.1), dbSNP rs553220620, ClinGen allele CA378980405.